The following is an entry in ClinVar:

ClinVar aggregate classification (germline): Likely benign. Review status: criteria provided, multiple submitters, no conflicts (2 of 4 stars). 2 submissions from 2 submitters: Likely benign (2). Last evaluated 2025-04-10.

Conditions:
Hereditary diffuse gastric adenocarcinoma (HDGC). Also called: DIFFUSE GASTRIC AND LOBULAR BREAST CANCER SYNDROME. Identifiers: Orphanet 26106, MedGen C1708349, MONDO:0007648, OMIM 137215.

Allele frequency attached by ClinVar (database versions not stated): gnomAD exomes below 0.00001.
gnomAD v4.1: 2 of 1,614,070 alleles (0.00012%); highest among the groups gnomAD compares: Non-Finnish European, 0.00017%; no homozygotes.

Submissions (2):

Labcorp Genetics (formerly Invitae), Labcorp
Classification: Likely benign. Last evaluated: 2025-04-10. Review status: criteria provided, single submitter. Criteria: Invitae Variant Classification Sherloc (09022015). Collection method: clinical testing. Allele origin: germline.

Myriad Genetics, Inc.
Classification: Likely benign for Hereditary diffuse gastric adenocarcinoma. Last evaluated: 2024-10-15. Review status: criteria provided, single submitter. Criteria: Myriad Autosomal Dominant, Autosomal Recessive and X-Linked Classification Criteria (2023). Collection method: clinical testing. Allele origin: unknown.
Comment: This variant is considered likely benign. This variant is intronic and is not expected to impact mRNA splicing.

NM_001903.5(CTNNA1):c.2299-7T>C

Gene: CTNNA1 (catenin alpha 1; plus strand). Cytogenetic location: 5q31.2.
Variant type: single nucleotide variant.
Coding change: c.2299-7T>C on transcript NM_001903.5 (MANE Select); 7 bases into the intron before coding-DNA position 2299, T replaced by C.
Molecular consequence: intron variant.
Genome position (GRCh38, 1-based): chr5:138,932,571, T>C. VCF-style: chr5-138932571-T-C. GRCh37 (hg19) VCF-style: chr5-138268260-T-C.
Other names: c.2299-7T>C (NM_001323982.2, NM_001323984.2, NM_001290307.3 and 2 more transcripts); c.2206-7T>C (NM_001323986.2); c.1930-7T>C (NM_001290310.3); c.1990-7T>C (NM_001290309.3); c.1189-7T>C (NM_001323996.1, NM_001323993.1, NM_001324005.1 and 16 more transcripts); c.850-7T>C (NM_001324007.1, NM_001324009.1, NM_001324006.1 and 2 more transcripts); c.946-7T>C (NM_001324013.1, NM_001324012.1); c.1189-1231T>C (NM_001324001.1); and 1 more.
Identifiers: ClinVar variation 1635812 (VCV001635812.9), dbSNP rs1399934894, ClinGen allele CA563297624.
Genomic context (GRCh38, chr5:138,932,571, plus strand): 5'-CAGCCGTGGGGTCGGGGGTGCTTGGGCCAGGCCAGGATACTTGGTGTTAAGCCTGCTCTC[T>C]CTTCAGTGCCCCGACTCGGCTTGCAAGCAGGACCTGCTGGCCTACCTGCAACGCATCGCC-3'